The following is an entry in ClinVar:

ClinVar aggregate classification (germline): Uncertain significance (1 of 4 stars; one submission).

Conditions:
Malignant hyperthermia, susceptibility to, 5 (MHS5). Also called: CACNA1S-Related Malignant Hyperthermia Susceptibility. Identifiers: Orphanet 423, MedGen C1866077, MONDO:0011163, OMIM 601887.

Allele frequency attached by ClinVar (database versions not stated): gnomAD exomes below 0.00001; ExAC 0.00001.
gnomAD v4.1: 4 of 1,604,328 alleles (0.00025%); highest among the groups gnomAD compares: Non-Finnish European, 0.00026%; no homozygotes.

Submission:

All of Us Research Program, National Institutes of Health
Classification: Uncertain significance for Malignant hyperthermia, susceptibility to, 5. Last evaluated: 2022-11-28. Review status: criteria provided, single submitter. Criteria: ACMG Guidelines, 2015. Collection method: clinical testing. Allele origin: germline. Inheritance: Autosomal dominant inheritance. Observed: 1 variant allele, 1 heterozygote.
Comment: This study involves interpretation of variants in research participants for the purpose of population health screening. Participant phenotype was not available at the time of variant classification. Additional details can be found in publication PMID: 35346344, PMCID: PMC8962531

NM_000069.3(CACNA1S):c.2060C>T (p.Ser687Phe)

Gene: CACNA1S (calcium voltage-gated channel subunit alpha1 S; minus strand). Cytogenetic location: 1q32.1.
Variant type: single nucleotide variant.
Coding change: c.2060C>T on transcript NM_000069.3 (MANE Select); coding-DNA position 2060, C replaced by T.
Protein change: p.Ser687Phe; replaces serine 687 with phenylalanine.
Molecular consequence: missense variant.
Genome position (GRCh38, 1-based): chr1:201,074,509, G>A on the plus strand (C>T on the coding strand, the complement: CACNA1S is on the minus strand). VCF-style: chr1-201074509-G-A. GRCh37 (hg19) VCF-style: chr1-201043637-G-A.
Other names: short protein forms S687F.
Identifiers: ClinVar variation 3069273 (VCV003069273.1), dbSNP rs778231104, ClinGen allele CA078762.